The following is an entry in ClinVar:

NM_033305.3(VPS13A):c.478A>G (p.Ile160Val)

Gene: VPS13A (vacuolar protein sorting 13 homolog A; plus strand). Cytogenetic location: 9q21.2.
Variant type: single nucleotide variant.
Coding change: c.478A>G on transcript NM_033305.3 (MANE Select); coding-DNA position 478, A replaced by G.
Protein change: p.Ile160Val; replaces isoleucine 160 with valine.
Molecular consequence: missense variant.
Genome position (GRCh38, 1-based): chr9:77,209,515, A>G. VCF-style: chr9-77209515-A-G. GRCh37 (hg19) VCF-style: chr9-79824431-A-G.
Other names: p.Ile160Val; c.478A>G, p.Ile160Val (NM_001018037.2, NM_001018038.3, NM_015186.4); short protein forms I160V.
Identifiers: ClinVar variation 3379871 (VCV003379871.1).
Genomic context (GRCh38, chr9:77,209,515, plus strand): 5'-GCAGAAAAATTAGTTACACAGATCATAAAAAATCTTCAGGTGAAAATTTCCAGTATCCAT[A>G]TTCGTTATGAAGATGATGTAAGTATTTTAATATGTGATATTTGTTTTTATATTTATATGT-3'
Protein context (NP_150648.2, residues 150-170): NLQVKISSIH[Ile160Val]RYEDDITNRD

ClinVar aggregate classification (germline): Uncertain significance (1 of 4 stars; one submission).

Submission:

Mayo Clinic Laboratories, Mayo Clinic
Classification: Uncertain significance. Last evaluated: 2023-08-17. Review status: criteria provided, single submitter. Criteria: ACMG Guidelines, 2015. Collection method: clinical testing. Allele origin: germline. Observed: 1 variant allele.
Comment: BP4, PM2_moderate